The following is an entry in ClinVar:

ClinVar aggregate classification (germline): Uncertain significance (1 of 4 stars; one submission).

Conditions:
Cardiovascular phenotype. Identifiers: MedGen CN230736.

Allele frequency attached by ClinVar (database versions not stated): gnomAD 0.00001; gnomAD exomes 0.00001; TOPMed 0.00001; ExAC 0.00005.
gnomAD v4.1: 18 of 1,613,426 alleles (0.0011%); highest among the groups gnomAD compares: South Asian, 0.02%; no homozygotes.

Submission:

Ambry Genetics
Classification: Uncertain significance for Cardiovascular phenotype. Last evaluated: 2019-03-14. Review status: criteria provided, single submitter. Criteria: Ambry Variant Classification Scheme 2023. Collection method: clinical testing. Allele origin: germline.
Comment: The p.R17037G variant (also known as c.51109A>G), located in coding exon 153 of the TTN gene, results from an A to G substitution at nucleotide position 51109. The arginine at codon 17037 is replaced by glycine, an amino acid with dissimilar properties. This amino acid position is well conserved in available vertebrate species. In addition, this alteration is predicted to be tolerated by in silico analysis. Since supporting evidence is limited at this time, the clinical significance of this alteration remains unclear.

NM_001267550.2(TTN):c.78304A>G (p.Arg26102Gly)

Genes: TTN (titin; minus strand), TTN-AS1 (TTN antisense RNA 1; plus strand). Cytogenetic location: 2q31.2.
Variant type: single nucleotide variant.
Coding change: c.78304A>G on transcript NM_001267550.2 (MANE Select); coding-DNA position 78304, A replaced by G.
Protein change: p.Arg26102Gly; replaces arginine 26102 with glycine.
Molecular consequence: missense variant.
Genome position (GRCh38, 1-based): chr2:178,567,828, T>C on the plus strand (A>G on the coding strand, the complement: TTN is on the minus strand). VCF-style: chr2-178567828-T-C. GRCh37 (hg19) VCF-style: chr2-179432555-T-C.
Other names: c.73381A>G, p.Arg24461Gly (NM_001256850.1); c.51109A>G, p.Arg17037Gly (NM_003319.4); c.70600A>G, p.Arg23534Gly (NM_133378.4); c.51484A>G, p.Arg17162Gly (NM_133432.3); c.51685A>G, p.Arg17229Gly (NM_133437.4); short protein forms R17037G, R23534G, R26102G, R17162G, R17229G, R24461G.
Identifiers: ClinVar variation 1745411 (VCV001745411.2), dbSNP rs765201089, ClinGen allele CA1989626.